The following is an entry in ClinVar:

NM_021942.6(TRAPPC11):c.2177G>T (p.Arg726Leu)

Gene: TRAPPC11 (trafficking protein particle complex subunit 11; plus strand). Cytogenetic location: 4q35.1.
Variant type: single nucleotide variant.
Coding change: c.2177G>T on transcript NM_021942.6 (MANE Select); coding-DNA position 2177, G replaced by T.
Protein change: p.Arg726Leu; replaces arginine 726 with leucine.
Molecular consequence: missense variant.
Genome position (GRCh38, 1-based): chr4:183,693,087, G>T. VCF-style: chr4-183693087-G-T. GRCh37 (hg19) VCF-style: chr4-184614240-G-T.
Other names: c.2177G>T, p.Arg726Leu (NM_199053.3); short protein forms R726L.
Identifiers: ClinVar variation 1440270 (VCV001440270.3), dbSNP rs775221903, ClinGen allele CA3152124.

ClinVar aggregate classification (germline): Uncertain significance (1 of 4 stars; one submission).

Conditions:
Autosomal recessive limb-girdle muscular dystrophy type R18 (LGMDR18). Also called: Autosomal recessive limb-girdle muscular dystrophy type 2S; Limb-girdle muscular dystrophy, type 2S; MUSCULAR DYSTROPHY, LIMB-GIRDLE, AUTOSOMAL RECESSIVE 18. Identifiers: Orphanet 369840, MedGen C4517996, MONDO:0014144, OMIM 615356.

Allele frequency attached by ClinVar (database versions not stated): ExAC 0.00002.
gnomAD v4.1: 16 of 1,612,718 alleles (0.00099%); highest among the groups gnomAD compares: Non-Finnish European, 0.0014%; no homozygotes.

Submission:

Labcorp Genetics (formerly Invitae), Labcorp
Classification: Uncertain significance for Autosomal recessive limb-girdle muscular dystrophy type R18. Last evaluated: 2021-09-16. Review status: criteria provided, single submitter. Criteria: Invitae Variant Classification Sherloc (09022015). Collection method: clinical testing. Allele origin: germline.
Comment: This sequence change replaces arginine with leucine at codon 726 of the TRAPPC11 protein (p.Arg726Leu). The arginine residue is highly conserved and there is a moderate physicochemical difference between arginine and leucine. This variant is present in population databases (rs775221903, ExAC 0.003%). This variant has not been reported in the literature in individuals affected with TRAPPC11-related conditions. Algorithms developed to predict the effect of missense changes on protein structure and function are either unavailable or do not agree on the potential impact of this missense change (SIFT: "Deleterious"; PolyPhen-2: "Benign"; Align-GVGD: "Class C0"). In summary, the available evidence is currently insufficient to determine the role of this variant in disease. Therefore, it has been classified as a Variant of Uncertain Significance.